The following is an entry in ClinVar:

ClinVar aggregate classification (germline): Uncertain significance (1 of 4 stars; one submission).

Conditions:
Idiopathic generalized epilepsy. Also called: EIG; Generalised epilepsy. Identifiers: MedGen C0270850, MONDO:0005579, OMIM 600669.
Epilepsy, idiopathic generalized, susceptibility to, 13. Also called: EPILEPSY, JUVENILE MYOCLONIC, SUSCEPTIBILITY TO, 5. Identifiers: Orphanet 307, Orphanet 64280, MedGen C4013473, MONDO:0012627, OMIM 611136.
Epilepsy, childhood absence 4 (ECA4). Also called: EPILEPSY, CHILDHOOD ABSENCE, SUSCEPTIBILITY TO, 4. Identifiers: Orphanet 307, MedGen C1970160.

Allele frequency attached by ClinVar (database versions not stated): gnomAD exomes below 0.00001; TOPMed below 0.00001.
gnomAD v4.1: 10 of 1,614,088 alleles (0.00062%); highest among the groups gnomAD compares: Non-Finnish European, 0.00085%; no homozygotes.

Submission:

Labcorp Genetics (formerly Invitae), Labcorp
Classification: Uncertain significance for Epilepsy, childhood absence 4; Epilepsy, idiopathic generalized, susceptibility to, 13; Idiopathic generalized epilepsy. Last evaluated: 2022-11-20. Review status: criteria provided, single submitter. Criteria: Invitae Variant Classification Sherloc (09022015). Collection method: clinical testing. Allele origin: germline.
Comment: Advanced modeling of protein sequence and biophysical properties (such as structural, functional, and spatial information, amino acid conservation, physicochemical variation, residue mobility, and thermodynamic stability) performed at Invitae indicates that this missense variant is not expected to disrupt GABRA1 protein function. In summary, the available evidence is currently insufficient to determine the role of this variant in disease. Therefore, it has been classified as a Variant of Uncertain Significance. This sequence change replaces alanine, which is neutral and non-polar, with serine, which is neutral and polar, at codon 387 of the GABRA1 protein (p.Ala387Ser). This variant is not present in population databases (gnomAD no frequency). This variant has not been reported in the literature in individuals affected with GABRA1-related conditions. ClinVar contains an entry for this variant (Variation ID: 1444602).

NM_001127644.2(GABRA1):c.1159G>T (p.Ala387Ser)

Gene: GABRA1 (gamma-aminobutyric acid type A receptor subunit alpha1; plus strand). Cytogenetic location: 5q34.
Variant type: single nucleotide variant.
Coding change: c.1159G>T on transcript NM_001127644.2 (MANE Select); coding-DNA position 1159, G replaced by T.
Protein change: p.Ala387Ser; replaces alanine 387 with serine.
Molecular consequence: missense variant.
Genome position (GRCh38, 1-based): chr5:161,897,210, G>T. VCF-style: chr5-161897210-G-T. GRCh37 (hg19) VCF-style: chr5-161324216-G-T.
Other names: c.1159G>T, p.Ala387Ser (NM_000806.5, NM_001127643.2, NM_001127645.2 and 1 more transcripts); short protein forms A387S.
Identifiers: ClinVar variation 1444602 (VCV001444602.8), dbSNP rs1561588765, ClinGen allele CA362180778.
Genomic context (GRCh38, chr5:161,897,210, plus strand): 5'-ACTTACGCTCCAACAGCAACCAGCTACACCCCTAATTTGGCCAGGGGCGACCCGGGCTTA[G>T]CCACCATTGCTAAAAGTGCAACCATAGAACCTAAAGAGGTCAAGCCCGAAACAAAACCAC-3'
Protein context (NP_001121116.1, residues 377-397): PNLARGDPGL[Ala387Ser]TIAKSATIEP